The following is an entry in ClinVar:

NM_015512.5(DNAH1):c.8816G>A (p.Arg2939His)

Gene: DNAH1 (dynein axonemal heavy chain 1; plus strand). Cytogenetic location: 3p21.1.
Variant type: single nucleotide variant.
Coding change: c.8816G>A on transcript NM_015512.5 (MANE Select); coding-DNA position 8816, G replaced by A.
Protein change: p.Arg2939His; replaces arginine 2939 with histidine.
Molecular consequence: missense variant.
Genome position (GRCh38, 1-based): chr3:52,386,666, G>A. VCF-style: chr3-52386666-G-A. GRCh37 (hg19) VCF-style: chr3-52420682-G-A.
Other names: short protein forms R2939H.
Identifiers: ClinVar variation 478505 (VCV000478505.3), dbSNP rs749580264, ClinGen allele CA2435331.

ClinVar aggregate classification (germline): Uncertain significance (1 of 4 stars; one submission).

Conditions:
Spermatogenic failure 18. Identifiers: MedGen C4539783, MONDO:0054615, OMIM 617576.
Ciliary dyskinesia, primary, 37 (CILD37). Also called: CILIARY DYSKINESIA, PRIMARY, 37, WITH OR WITHOUT SITUS INVERSUS. Identifiers: MedGen C4539798, MONDO:0033204, OMIM 617577.

Allele frequency attached by ClinVar (database versions not stated): gnomAD 0.00002 and 0.00003; gnomAD exomes 0.00002; TOPMed 0.00002; ExAC 0.00004.
gnomAD v4.1: 31 of 1,577,406 alleles (0.002%); highest among the groups gnomAD compares: East Asian, 0.0023%; no homozygotes.

Submission:

Labcorp Genetics (formerly Invitae), Labcorp
Classification: Uncertain significance for Ciliary dyskinesia, primary, 37; Spermatogenic failure 18. Last evaluated: 2024-06-17. Review status: criteria provided, single submitter. Criteria: Invitae Variant Classification Sherloc (09022015). Collection method: clinical testing. Allele origin: germline.
Comment: This sequence change replaces arginine, which is basic and polar, with histidine, which is basic and polar, at codon 2939 of the DNAH1 protein (p.Arg2939His). The frequency data for this variant in the population databases is considered unreliable, as metrics indicate poor data quality at this position in the gnomAD database. This variant has not been reported in the literature in individuals affected with DNAH1-related conditions. ClinVar contains an entry for this variant (Variation ID: 478505). Advanced modeling of protein sequence and biophysical properties (such as structural, functional, and spatial information, amino acid conservation, physicochemical variation, residue mobility, and thermodynamic stability) performed at Invitae indicates that this missense variant is expected to disrupt DNAH1 protein function with a positive predictive value of 80%. In summary, the available evidence is currently insufficient to determine the role of this variant in disease. Therefore, it has been classified as a Variant of Uncertain Significance.